The following is an entry in ClinVar:

ClinVar aggregate classification (germline): Uncertain significance. Review status: criteria provided, multiple submitters, no conflicts (2 of 4 stars). 9 submissions from 9 submitters: Uncertain significance (9). Last evaluated 2026-02-02.

Conditions:
Hereditary nonpolyposis colorectal neoplasms. Identifiers: MedGen C0009405, MeSH D003123.
Hereditary cancer-predisposing syndrome. Also called: Neoplastic Syndromes, Hereditary; Hereditary neoplastic syndrome; Hereditary Cancer Syndrome; Tumor predisposition. Identifiers: Orphanet 140162, MedGen C0027672, MeSH D009386, MONDO:0015356.
Lynch syndrome. Identifiers: Orphanet 144, MedGen C4552100, MONDO:0005835. Disease mechanism: loss of function.
Lynch syndrome 4 (LYNCH4). Also called: Colorectal cancer, hereditary nonpolyposis, type 4; Hereditary non-polyposis colorectal cancer, type 4. Identifiers: Orphanet 144, MedGen C1838333, MONDO:0013699, OMIM 614337. Disease mechanism: loss of function.

Allele frequency attached by ClinVar (database versions not stated): gnomAD exomes below 0.00001 and 0.00001; TOPMed below 0.00001; gnomAD 0.00001.

Submissions (9):

Institute for Biomarker Research, Medical Diagnostic Laboratories, L.L.C.
Classification: Uncertain significance for Hereditary cancer-predisposing syndrome. Last evaluated: 2026-02-02. Review status: criteria provided, single submitter. Criteria: ACMG Guidelines, 2015. Collection method: clinical testing. Allele origin: germline.
Comment: The missense variant NM_001322014.2(PMS2):c.847A>C (p.Ser283Arg) has not been reported previously as a pathogenic variant nor as a benign variant, to our knowledge(Accession: VCV000234135.28). There is a moderate physicochemical difference between serine and arginine. The p.Ser283Arg missense variant is predicted to be damaging by both SIFT and PolyPhen2. The serine residue at codon 283 of PMS2 is conserved in all mammalian species. The nucleotide c.847 in PMS2 is predicted conserved by GERP++ and PhyloP across 100 vertebrates. For these reasons, this variant has been classified as Uncertain Significance.

Ambry Genetics
Classification: Uncertain significance for Hereditary cancer-predisposing syndrome. Last evaluated: 2025-07-22. Review status: criteria provided, single submitter. Criteria: Ambry Variant Classification Scheme 2023. Collection method: clinical testing. Allele origin: germline.
Comment: The p.S283R variant (also known as c.847A>C), located in coding exon 8 of the PMS2 gene, results from an A to C substitution at nucleotide position 847. The serine at codon 283 is replaced by arginine, an amino acid with dissimilar properties. This alteration was identified in a cohort of 1260 individuals undergoing panel testing for Lynch syndrome due to having a diagnosis of a Lynch-associated cancer and/or polyps (Yurgelun MB et al. Gastroenterology, 2015 Sep;149:604-13.e20). This amino acid position is highly conserved in available vertebrate species. In addition, this alteration is predicted to be deleterious by in silico analysis. Based on the available evidence, the clinical significance of this variant remains unclear.

Quest Diagnostics Nichols Institute San Juan Capistrano
Classification: Uncertain significance. Last evaluated: 2025-04-23. Review status: criteria provided, single submitter. Criteria: Quest Diagnostics criteria. Collection method: clinical testing. Allele origin: unknown.
Comment: The PMS2 c.847A>C (p.Ser283Arg) variant has been reported in the published literature in an individual with suspected Lynch syndrome (PMID: 25980754 (2015)). The frequency of this variant in the general population (Genome Aggregation Database) is uninformative in the assessment of its pathogenicity. Analysis of this variant using bioinformatics tools for the prediction of the effect of amino acid changes on protein structure and function yielded predictions that this variant is damaging. Based on the available information, we are unable to determine the clinical significance of this variant.

Labcorp Genetics (formerly Invitae), Labcorp
Classification: Uncertain significance for Hereditary nonpolyposis colorectal neoplasms. Last evaluated: 2024-12-28. Review status: criteria provided, single submitter. Criteria: Invitae Variant Classification Sherloc (09022015). Collection method: clinical testing. Allele origin: germline.
Comment: This sequence change replaces serine, which is neutral and polar, with arginine, which is basic and polar, at codon 283 of the PMS2 protein (p.Ser283Arg). This variant is present in population databases (no rsID available, gnomAD 0.03%). This missense change has been observed in individual(s) with Lynch syndrome (PMID: 25980754). ClinVar contains an entry for this variant (Variation ID: 234135). Invitae Evidence Modeling incorporating data from in vitro experimental studies (internal data) indicates that this missense variant is not expected to disrupt PMS2 function with a negative predictive value of 95%. In summary, the available evidence is currently insufficient to determine the role of this variant in disease. Therefore, it has been classified as a Variant of Uncertain Significance.

Color Diagnostics, LLC DBA Color Health
Classification: Uncertain significance for Hereditary cancer-predisposing syndrome. Last evaluated: 2024-12-23. Review status: criteria provided, single submitter. Criteria: ACMG Guidelines, 2015. Collection method: clinical testing. Allele origin: germline.
Comment: This missense variant replaces serine with arginine at codon 283 of the PMS2 protein. Computational prediction suggests that this variant may have deleterious impact on protein structure and function (internally defined REVEL score threshold >= 0.7, PMID: 27666373). To our knowledge, functional studies have not been reported for this variant. This variant has been reported in an individual suspected of Lynch Syndrome in the literature (PMID: 25980754). This variant has been identified in 8/1613866 chromosomes in the general population by the Genome Aggregation Database (gnomAD). The available evidence is insufficient to determine the role of this variant in disease conclusively. Therefore, this variant is classified as a Variant of Uncertain Significance.

Baylor Genetics
Classification: Uncertain significance for Lynch syndrome 4. Last evaluated: 2024-03-28. Review status: criteria provided, single submitter. Criteria: ACMG Guidelines, 2015. Collection method: clinical testing. Allele origin: unknown.

Blueprint Genetics
Classification: Uncertain significance. Last evaluated: 2023-08-14. Review status: criteria provided, single submitter. Criteria: ACMG Guidelines, 2015. Collection method: clinical testing. Allele origin: germline.

GeneDx
Classification: Uncertain significance. Last evaluated: 2023-07-05. Review status: criteria provided, single submitter. Criteria: GeneDx Variant Classification Process June 2021. Collection method: clinical testing. Allele origin: germline. Affected: yes.
Comment: In silico analysis supports that this missense variant has a deleterious effect on protein structure/function; Observed in an individual with a personal history of a Lynch syndrome-related cancer and/or polyps (Yurgelun et al., 2015); This variant is associated with the following publications: (PMID: 25186627, 11574484, 25980754)

All of Us Research Program, National Institutes of Health
Classification: Uncertain significance for Lynch syndrome. Last evaluated: 2023-05-04. Review status: criteria provided, single submitter. Criteria: ACMG Guidelines, 2015. Collection method: clinical testing. Allele origin: germline. Inheritance: Autosomal dominant inheritance. Observed: 1 variant allele, 1 heterozygote.
Comment: This missense variant replaces serine with arginine at codon 283 of the PMS2 protein. Computational prediction is inconclusive regarding the impact of this variant on protein structure and function (internally defined REVEL score threshold 0.5 < inconclusive < 0.7, PMID: 27666373). To our knowledge, functional studies have not been reported for this variant. This variant has not been reported in individuals affected with hereditary cancer in the literature. This variant has been identified in 3/282838 chromosomes in the general population by the Genome Aggregation Database (gnomAD). The available evidence is insufficient to determine the role of this variant in disease conclusively. Therefore, this variant is classified as a Variant of Uncertain Significance.

This study involves interpretation of variants in research participants for the purpose of population health screening. Participant phenotype was not available at the time of variant classification. Additional details can be found in publication PMID: 35346344, PMCID: PMC8962531

Literature cited by the submitters: PubMed 25980754 (cited by 4 submitters).

NM_000535.7(PMS2):c.847A>C (p.Ser283Arg)

Gene: PMS2 (PMS1 homolog 2, mismatch repair system component; minus strand). Cytogenetic location: 7p22.1.
Variant type: single nucleotide variant.
Coding change: c.847A>C on transcript NM_000535.7 (MANE Select); coding-DNA position 847, A replaced by C.
Protein change: p.Ser283Arg; replaces serine 283 with arginine.
Molecular consequence: missense variant. On other transcripts: 5 prime UTR variant (2), non-coding transcript variant (1).
Genome position (GRCh38, 1-based): chr7:5,995,590, T>G on the plus strand (A>C on the coding strand, the complement: PMS2 is on the minus strand). VCF-style: chr7-5995590-T-G. GRCh37 (hg19) VCF-style: chr7-6035221-T-G.
Other names: c.442A>C, p.Ser148Arg (NM_001322003.2, NM_001322004.2, NM_001322005.2 and 2 more transcripts); c.847A>C, p.Ser283Arg (NM_001322006.2, NM_001322014.2); c.529A>C, p.Ser177Arg (NM_001322007.2, NM_001322008.2); c.-87A>C (NM_001322011.2, NM_001322012.2); c.274A>C, p.Ser92Arg (NM_001322013.2); c.538A>C, p.Ser180Arg (NM_001322015.2); short protein forms S283R, S177R, S148R, S180R, S92R.
Identifiers: ClinVar variation 234135 (VCV000234135.30), dbSNP rs876660871, ClinGen allele CA10577341.